The following is an entry in ClinVar:

ClinVar aggregate classification (germline): Likely benign (1 of 4 stars; one submission).

Allele frequency attached by ClinVar (database versions not stated): ESP Exome Variant Server 0.00125; 1000 Genomes Project 0.00140; 1000 Genomes Project 30x 0.00141; gnomAD 0.00150; ExAC 0.00158.
gnomAD v4.1: 2,982 of 1,613,870 alleles (0.18%); highest among the groups gnomAD compares: Non-Finnish European, 0.23%; 5 homozygotes.

Submission:

CeGaT Center for Human Genetics Tuebingen
Classification: Likely benign. Last evaluated: 2022-11-01. Review status: criteria provided, single submitter. Criteria: CeGaT Center For Human Genetics Tuebingen Variant Classification Criteria Version 2. Collection method: clinical testing. Allele origin: germline. Affected: yes. Observed: 1 variant allele.
Comment: MGAM: BP4, BP7

NM_001365693.1(MGAM):c.4113C>T (p.Ser1371=)

Gene: MGAM (maltase-glucoamylase; plus strand). Cytogenetic location: 7q34.
Variant type: single nucleotide variant.
Coding change: c.4113C>T on transcript NM_001365693.1 (MANE Select); coding-DNA position 4113, C replaced by T.
Protein change: p.Ser1371=; no amino-acid change (serine 1371 retained).
Molecular consequence: synonymous variant.
Genome position (GRCh38, 1-based): chr7:142,060,364, C>T. VCF-style: chr7-142060364-C-T. GRCh37 (hg19) VCF-style: chr7-141760164-C-T.
Other names: c.4113C>T, p.Ser1371= (NM_004668.3).
Identifiers: ClinVar variation 2658100 (VCV002658100.24), dbSNP rs193144181, ClinGen allele CA168120983.